The following is an entry in ClinVar:

NM_001177693.2(ARHGEF28):c.1503A>G (p.Pro501=)

Gene: ARHGEF28 (Rho guanine nucleotide exchange factor 28; plus strand). Cytogenetic location: 5q13.2.
Variant type: single nucleotide variant.
Coding change: c.1503A>G on transcript NM_001177693.2 (MANE Select); coding-DNA position 1503, A replaced by G.
Protein change: p.Pro501=; no amino-acid change (proline 501 retained).
Molecular consequence: synonymous variant.
Genome position (GRCh38, 1-based): chr5:73,846,343, A>G. VCF-style: chr5-73846343-A-G. GRCh37 (hg19) VCF-style: chr5-73142168-A-G.
Other names: c.1503A>G, p.Pro501= (NM_001080479.3, NM_001388078.1); c.564A>G, p.Pro188= (NM_001244364.2); c.1209A>G, p.Pro403= (NM_001388076.1).
Identifiers: ClinVar variation 3036473 (VCV003036473.2), dbSNP rs374237927, ClinGen allele CA3304565.

ClinVar aggregate classification (germline): Likely benign (0 of 4 stars; one submission).

Conditions:
ARHGEF28-related disorder. Also called: ARHGEF28-related condition.

Allele frequency attached by ClinVar (database versions not stated): gnomAD exomes 0.00002; ExAC 0.00007; ESP Exome Variant Server 0.00025; gnomAD 0.00025; TOPMed 0.00028.
gnomAD v4.1: 71 of 1,613,800 alleles (0.0044%); highest among the groups gnomAD compares: African/African-American, 0.083%; no homozygotes.

Submission:

PreventionGenetics, part of Exact Sciences
Classification: Likely benign for ARHGEF28-related condition. Last evaluated: 2023-07-11. Review status: no assertion criteria provided. Collection method: clinical testing. Allele origin: germline.
Comment: This variant is classified as likely benign based on ACMG/AMP sequence variant interpretation guidelines (Richards et al. 2015 PMID: 25741868, with internal and published modifications).